The following is an entry in ClinVar:

ClinVar aggregate classification (germline): Uncertain significance (1 of 4 stars; one submission).

Conditions:
Centromeric instability of chromosomes 1,9 and 16 and immunodeficiency (ICF1). Also called: IMMUNE DEFICIENCY, VARIABLE, WITH CENTROMERIC INSTABILITY OF CHROMOSOMES 1, 9, AND 16; IMMUNODEFICIENCY SYNDROME, VARIABLE; CENTROMERIC INSTABILITY, IMMUNODEFICIENCY SYNDROME; Immunodeficiency-centromeric instability-facial anomalies. Identifiers: Orphanet 2268, MedGen C0398788, MONDO:0000133.

Allele frequency attached by ClinVar (database versions not stated): gnomAD exomes 0.00002; TOPMed 0.00002; ExAC 0.00003; gnomAD 0.00003.
gnomAD v4.1: 31 of 1,613,378 alleles (0.0019%); highest among the groups gnomAD compares: Admixed American, 0.03%; no homozygotes.

Submissions (2):

Labcorp Genetics (formerly Invitae), Labcorp
Classification: Uncertain significance for Centromeric instability of chromosomes 1,9 and 16 and immunodeficiency. Last evaluated: 2024-10-29. Review status: criteria provided, single submitter. Criteria: Invitae Variant Classification Sherloc (09022015). Collection method: clinical testing. Allele origin: germline.
Comment: This sequence change replaces arginine, which is basic and polar, with tryptophan, which is neutral and slightly polar, at codon 573 of the DNMT3B protein (p.Arg573Trp). This variant is present in population databases (rs764722946, gnomAD 0.04%), including at least one homozygous and/or hemizygous individual. This variant has not been reported in the literature in individuals affected with DNMT3B-related conditions. ClinVar contains an entry for this variant (Variation ID: 2189830). Invitae Evidence Modeling of protein sequence and biophysical properties (such as structural, functional, and spatial information, amino acid conservation, physicochemical variation, residue mobility, and thermodynamic stability) has been performed for this missense variant. However, the output from this modeling did not meet the statistical confidence thresholds required to predict the impact of this variant on DNMT3B protein function. In summary, the available evidence is currently insufficient to determine the role of this variant in disease. Therefore, it has been classified as a Variant of Uncertain Significance.

Dr. Peter K. Rogan Lab, Western University
No classification provided (evidence only). Condition: Gastric cancer. Review status: no classification provided. Collection method: in vitro. Allele origin: not applicable. Functional consequence: retained intron. Not counted in ClinVar's aggregate classification.

NM_006892.4(DNMT3B):c.1717C>T (p.Arg573Trp)

Genes: DNMT3B (DNA methyltransferase 3 beta; plus strand), LOC126863014 (CDK7 strongly-dependent group 2 enhancer GRCh37_chr20:31385992-31387191; plus strand). Cytogenetic location: 20q11.21.
Variant type: single nucleotide variant.
Coding change: c.1717C>T on transcript NM_006892.4 (MANE Select); coding-DNA position 1717, C replaced by T.
Protein change: p.Arg573Trp; replaces arginine 573 with tryptophan.
Molecular consequence: missense variant.
Genome position (GRCh38, 1-based): chr20:32,799,286, C>T. VCF-style: chr20-32799286-C-T. GRCh37 (hg19) VCF-style: chr20-31387092-C-T.
Other names: c.1531C>T, p.Arg511Trp (NM_001207055.2); c.1429C>T, p.Arg477Trp (NM_001207056.2); c.1657C>T, p.Arg553Trp (NM_175848.2, NM_175849.2); c.1693C>T, p.Arg565Trp (NM_175850.3); short protein forms R565W, R553W, R573W, R477W, R511W.
Identifiers: ClinVar variation 2189830 (VCV002189830.3), dbSNP rs764722946, ClinGen allele CA9810681.
Genomic context (GRCh38, chr20:32,799,286, plus strand): 5'-TCCTTCCTTACCTGGCAGGAAGCCCCCAAGCTGTACCCTGCCATTCCCGCAGCCCGAAGG[C>T]GGCCCATTCGAGTCCTGTCATTGTTTGATGGCATCGCGACAGGTGAGTTCGGGGAACACC-3'
Protein context (NP_008823.1, residues 563-583): LYPAIPAARR[Arg573Trp]PIRVLSLFDG